The following is an entry in ClinVar:

ClinVar aggregate classification (germline): Likely benign (1 of 4 stars; one submission).

Conditions:
Holoprosencephaly 9 (HPE9). Also called: PITUITARY ANOMALIES WITH HOLOPROSENCEPHALY-LIKE FEATURES; HOLOPROSENCEPHALY WITH MICROPHTHALMIA AND FIRST BRANCHIAL ARCH ANOMALIES. Identifiers: Orphanet 2162, MedGen C1835819, MONDO:0012563, OMIM 610829.

gnomAD v4.1: 20 of 1,613,536 alleles (0.0012%); highest among the groups gnomAD compares: African/African-American, 0.0027%; no homozygotes.

Submission:

Centre for Medical Genetics,  Mumbai
Classification: Likely benign for Holoprosencephaly 9. Last evaluated: 2026-01-29. Review status: criteria provided, single submitter. Criteria: ACMG Guidelines, 2015. Collection method: provider interpretation. Allele origin: germline. Inheritance: Autosomal dominant inheritance. Affected: no. Observed: 1 heterozygote.
Comment: The variant satisfies PVS1 criteria; Null variant in a gene where loss of function is a known mechanism of disease. The variant classifies PM2 criteria; Extremely low frequency in gnomAD population databases. However, the variant satisfies the BS2 criteria.

Literature cited by the submitters: PubMed 14581620.

NM_001374353.1(GLI2):c.148+1G>A

Gene: GLI2 (GLI family zinc finger 2; plus strand). Cytogenetic location: 2q14.2.
Variant type: single nucleotide variant.
Coding change: c.148+1G>A on transcript NM_001374353.1 (MANE Select); the canonical splice donor site of the intron after coding-DNA position 148, G replaced by A.
Molecular consequence: splice donor variant.
Genome position (GRCh38, 1-based): chr2:120,797,469, G>A. VCF-style: chr2-120797469-G-A. GRCh37 (hg19) VCF-style: chr2-121555045-G-A.
Other names: c.148+1G>A (NM_001371271.1, NM_005270.5); c.-122+1G>A (NM_001374354.1).
Identifiers: ClinVar variation 4688036 (VCV004688036.1).